The following is an entry in ClinVar:

ClinVar aggregate classification (germline): Uncertain significance (1 of 4 stars; one submission).

Allele frequency attached by ClinVar (database versions not stated): gnomAD exomes below 0.00001.
gnomAD v4.1: 1 of 1,613,954 alleles (0.000062%); highest among the groups gnomAD compares: Admixed American, 0.0017%; no homozygotes.

Submission:

Labcorp Genetics (formerly Invitae), Labcorp
Classification: Uncertain significance. Last evaluated: 2024-05-06. Review status: criteria provided, single submitter. Criteria: Invitae Variant Classification Sherloc (09022015). Collection method: clinical testing. Allele origin: germline.
Comment: This sequence change replaces glutamine, which is neutral and polar, with arginine, which is basic and polar, at codon 748 of the POLE protein (p.Gln748Arg). This variant is not present in population databases (gnomAD no frequency). This variant has not been reported in the literature in individuals affected with POLE-related conditions. ClinVar contains an entry for this variant (Variation ID: 1058804). Advanced modeling of protein sequence and biophysical properties (such as structural, functional, and spatial information, amino acid conservation, physicochemical variation, residue mobility, and thermodynamic stability) performed at Invitae indicates that this missense variant is expected to disrupt POLE protein function with a positive predictive value of 80%. In summary, the available evidence is currently insufficient to determine the role of this variant in disease. Therefore, it has been classified as a Variant of Uncertain Significance.

NM_006231.4(POLE):c.2243A>G (p.Gln748Arg)

Gene: POLE (DNA polymerase epsilon, catalytic subunit; minus strand). Cytogenetic location: 12q24.33.
Variant type: single nucleotide variant.
Coding change: c.2243A>G on transcript NM_006231.4 (MANE Select); coding-DNA position 2243, A replaced by G.
Protein change: p.Gln748Arg; replaces glutamine 748 with arginine.
Molecular consequence: missense variant.
Genome position (GRCh38, 1-based): chr12:132,667,579, T>C on the plus strand (A>G on the coding strand, the complement: POLE is on the minus strand). VCF-style: chr12-132667579-T-C. GRCh37 (hg19) VCF-style: chr12-133244165-T-C.
Other names: short protein forms Q748R.
Identifiers: ClinVar variation 1058804 (VCV001058804.7), dbSNP rs2135970266, ClinGen allele CA387352227.
Genomic context (GRCh38, chr12:132,667,579, plus strand): 5'-AACTCGTAACGCCTGTCCCGGAAGGCACGCACGGTGTCCACGTAGAAGGAGTTTTCCCGC[T>C]GGCAGATGGTGGTGAGACGCTCTTCCACCTTGGTGATGTGGATCTTCTTGTAGGCTTTCC-3'
Protein context (NP_006222.2, residues 738-758): KVEERLTTIC[Gln748Arg]RENSFYVDTV